The following is an entry in ClinVar:

ClinVar aggregate classification (germline): Uncertain significance (1 of 4 stars; one submission).

Conditions:
Oculomotor apraxia - Cogan type. Also called: Oculomotor apraxia, congenital, Cogan-type; SACCADE INITIATION FAILURE, CONGENITAL; Ocular motor apraxia, Cogan type. Identifiers: Orphanet 1125, MedGen C0543874, MONDO:0009764, OMIM 257550.

Submission:

Victorian Clinical Genetics Services, Murdoch Childrens Research Institute
Classification: Uncertain significance for Oculomotor apraxia - Cogan type. Last evaluated: 2022-09-02. Review status: criteria provided, single submitter. Criteria: ACMG Guidelines, 2015. Collection method: clinical testing. Allele origin: germline. Affected: yes.
Comment: Based on the classification scheme VCGS_Germline_v1.3.4, this variant is classified as VUS-3B. Following criteria are met: 0102 - Loss of function is a known mechanism of disease in this gene and is associated with basal cell nevus syndrome (aka Gorlin syndrome; MIM#109400), Joubert syndrome (MIM#617757), medulloblastoma (MIM#155255), and congenital ocular motor apraxia (PMID: 33024317). (I) 0108 - This gene is associated with both recessive and dominant disease. Biallelic variants have been reported in individuals with Joubert syndrome (MIM#617757), while monoallelic variants are associated with basal cell nevus syndrome (MIM#109400), medulloblastoma (MIM#155255), and oculomotor apraxia (MONDO#0015368), SUFU-related. (I) 0112 - The condition associated with this gene has incomplete penetrance. Unaffected heterozygotes have been reported in at least two congenital ocular motor apraxia families (PMID: 33024317). (I) 0200 - Variant is predicted to result in a missense amino acid change from glutamine to arginine. (I) 0251 - This variant is heterozygous. (I) 0301 - Variant is absent from gnomAD (both v2 and v3). (SP) 0501 - Missense variant consistently predicted to be damaging by multiple in silico tools or highly conserved with a major amino acid change. In addition, this variant lies within the non-canonical splice region of an exon. While the nucleotide is highly conserved, in silico tools do not predict a donor splice site loss. (SP) 0600 - Variant is located in the annotated SUFU domain (DECIPHER). (I) 0705 - No comparable missense variants have previous evidence for pathogenicity. (I) 0807 - This variant has no previous evidence of pathogenicity. (I) 0905 - No published segregation evidence has been identified for this variant. (I) 1007 - No published functional evidence has been identified for this variant. (I) Legend: (SP) - Supporting pathogenic, (I) - Information, (SB) - Supporting benign

Literature cited by the submitters: PubMed 33024317.

NM_016169.4(SUFU):c.596A>G (p.Gln199Arg)

Gene: SUFU (SUFU negative regulator of hedgehog signaling; plus strand). Cytogenetic location: 10q24.32.
Variant type: single nucleotide variant.
Coding change: c.596A>G on transcript NM_016169.4 (MANE Select); coding-DNA position 596, A replaced by G.
Protein change: p.Gln199Arg; replaces glutamine 199 with arginine.
Molecular consequence: missense variant.
Genome position (GRCh38, 1-based): chr10:102,592,723, A>G. VCF-style: chr10-102592723-A-G. GRCh37 (hg19) VCF-style: chr10-104352480-A-G.
Other names: c.596A>G, p.Gln199Arg (NM_001178133.2); short protein forms Q199R.
Identifiers: ClinVar variation 3376559 (VCV003376559.1).